The following is an entry in ClinVar:

ClinVar aggregate classification (germline): Conflicting classifications of pathogenicity. Review status: criteria provided, conflicting classifications (1 of 4 stars). 2 submissions from 2 submitters: Uncertain significance (1); Benign (1). Last evaluated 2025-03-01.

Conditions:
Primary ciliary dyskinesia. Also called: Ciliary dyskinesia. Identifiers: Orphanet 244, MedGen C0008780, MONDO:0016575, HP:0012265.

Submissions (2):

CeGaT Center for Human Genetics Tuebingen
Classification: Uncertain significance. Last evaluated: 2025-03-01. Review status: criteria provided, single submitter. Criteria: CeGaT Center For Human Genetics Tuebingen Variant Classification Criteria Version 2. Collection method: clinical testing. Allele origin: germline. Affected: yes. Observed: 1 variant allele.
Comment: CCDC39: PM2, BP4

Labcorp Genetics (formerly Invitae), Labcorp
Classification: Benign for Primary ciliary dyskinesia. Last evaluated: 2023-08-17. Review status: criteria provided, single submitter. Criteria: Invitae Variant Classification Sherloc (09022015). Collection method: clinical testing. Allele origin: germline.

NM_181426.2(CCDC39):c.2266-7dup

Genes: CCDC39 (coiled-coil domain 39 molecular ruler complex subunit; minus strand), TTC14 (tetratricopeptide repeat domain 14; plus strand). Cytogenetic location: 3q26.33.
Variant type: Duplication.
Coding change: c.2266-7dup on transcript NM_181426.2 (MANE Select); 7 bases into the intron before coding-DNA position 2266, one base duplicated (T; older notation c.2266-7dupT).
Molecular consequence: intron variant.
Genome position (GRCh38, 1-based): chr3:180,616,973, A duplicated on the plus strand (T on the coding strand, the reverse complement: CCDC39 is on the minus strand); the first of 6 consecutive A bases (chr3:180,616,973-180,616,978); duplicating any one gives the same sequence. VCF-style (leftmost placement, unchanged base first): chr3-180616972-G-GA. GRCh37 (hg19) VCF-style: chr3-180334760-G-GA.
Other names: c.1775-402dup (NM_001288582.2).
Identifiers: ClinVar variation 2891621 (VCV002891621.10), dbSNP rs1287389353, ClinGen allele CA903359298.